The following is an entry in ClinVar:

NM_000127.3(EXT1):c.1978del (p.Leu660fs)

Gene: EXT1 (exostosin glycosyltransferase 1; minus strand). Cytogenetic location: 8q24.11.
Variant type: Deletion.
Coding change: c.1978del on transcript NM_000127.3 (MANE Select); coding-DNA position 1978, one base deleted (C; older notation c.1978delC).
Protein change: p.Leu660fs; shifts the reading frame from leucine 660.
Molecular consequence: frameshift variant.
Genome position (GRCh38, 1-based): chr8:117,804,799, G deleted on the plus strand (C on the coding strand, the reverse complement: EXT1 is on the minus strand); the first of 2 consecutive G bases (chr8:117,804,799-117,804,800); deleting either gives the same sequence. VCF-style (leftmost placement, unchanged base first): chr8-117804798-AG-A. GRCh37 (hg19) VCF-style: chr8-118817037-AG-A.
Other names: p.Leu660Trpfs*5; c.1978del (NM_000127.2); short protein forms L660fs.
Identifiers: ClinVar variation 4532284 (VCV004532284.2).

ClinVar aggregate classification (germline): Pathogenic/Likely pathogenic. Review status: criteria provided, multiple submitters, no conflicts (2 of 4 stars). 2 submissions from 2 submitters: Pathogenic (1); Likely pathogenic (1). Last evaluated 2026-01-29.

Conditions:
Exostoses, multiple, type 1 (EXT1). Also called: EXOSTOSES, MULTIPLE, TYPE I; Hereditary Multiple Osteochondromatosis, Type I. Identifiers: MedGen CN263289, MONDO:0007585, OMIM 133700.

Submissions (2):

GeneDx
Classification: Pathogenic. Last evaluated: 2026-01-29. Review status: criteria provided, single submitter. Criteria: GeneDx Variant Classification Process June 2021. Collection method: clinical testing. Allele origin: germline.
Comment: Reported in two related individuals with hereditary multiple osteochondromas in published literature (PMID: 37317574); Frameshift variant predicted to result in protein truncation or nonsense mediated decay in a gene for which loss of function is a known mechanism of disease; Not observed at significant frequency in large population cohorts (gnomAD); This variant is associated with the following publications: (PMID: 37317574, 34671977)

Department of Molecular Genetics, Istishari Arab Hospital
Classification: Likely pathogenic for Exostoses, multiple, type 1. Last evaluated: 2025-12-01. Review status: criteria provided, single submitter. Criteria: ACMG Guidelines, 2015. Collection method: clinical testing. Allele origin: germline. Inheritance: Autosomal dominant inheritance. Affected: yes.
Comment: The EXT1 variant c.1978del, p.Leu660Trpfs*5 creates a shift in the reading frame at position 660, resulting in a premature stop codon after 5 codons downstream. This frameshift variant is predicted to result in a loss or disruption of normal protein function through nonsense-mediated decay (NMD) or protein truncation. This variant is observed with very low frequency in the gnomAD v4.1.0 dataset (<0.001) and has not been previously described in the literature. It is classified as likely pathogenic (class 2) according to the recommendations of ACMG/AMP/ClinGen SVI guidelines.